The following is an entry in ClinVar:

NM_000098.3(CPT2):c.144C>A (p.Ser48Arg)

Genes: CPT2 (carnitine palmitoyltransferase 2; plus strand), LOC129930561 (ATAC-STARR-seq lymphoblastoid silent region 902; plus strand). Cytogenetic location: 1p32.3.
Variant type: single nucleotide variant.
Coding change: c.144C>A on transcript NM_000098.3 (MANE Select); coding-DNA position 144, C replaced by A.
Protein change: p.Ser48Arg; replaces serine 48 with arginine.
Molecular consequence: missense variant.
Genome position (GRCh38, 1-based): chr1:53,197,087, C>A. VCF-style: chr1-53197087-C-A. GRCh37 (hg19) VCF-style: chr1-53662759-C-A.
Other names: c.144C>A, p.Ser48Arg (NM_001330589.2); short protein forms S48R.
Identifiers: ClinVar variation 1428330 (VCV001428330.8), dbSNP rs2100255084, ClinGen allele CA340388842.
Genomic context (GRCh38, chr1:53,197,087, plus strand): 5'-CTCCGGGCCCGGCCAGTACCTGCAGCGCAGCATCGTGCCCACCATGCACTACCAGGACAG[C>A]CTGCCCAGGTGAGCCTGGCCTCCGGGTCCCCGCCGCCCGCCGCCGTCCCAGGATCGGCCC-3'
Protein context (NP_000089.1, residues 38-58): SIVPTMHYQD[Ser48Arg]LPRLPIPKLE

ClinVar aggregate classification (germline): Uncertain significance (1 of 4 stars; one submission).

Conditions:
Carnitine palmitoyltransferase II deficiency. Also called: Carnitine Palmitoyltransferase 2 Deficiency. Identifiers: Orphanet 157, MedGen C0342790, MONDO:0015515.

Submission:

Labcorp Genetics (formerly Invitae), Labcorp
Classification: Uncertain significance for Carnitine palmitoyltransferase II deficiency. Last evaluated: 2024-01-08. Review status: criteria provided, single submitter. Criteria: Invitae Variant Classification Sherloc (09022015). Collection method: clinical testing. Allele origin: germline.
Comment: This sequence change replaces serine, which is neutral and polar, with arginine, which is basic and polar, at codon 48 of the CPT2 protein (p.Ser48Arg). This variant is not present in population databases (gnomAD no frequency). This variant has not been reported in the literature in individuals affected with CPT2-related conditions. ClinVar contains an entry for this variant (Variation ID: 1428330). Advanced modeling of protein sequence and biophysical properties (such as structural, functional, and spatial information, amino acid conservation, physicochemical variation, residue mobility, and thermodynamic stability) performed at Invitae indicates that this missense variant is expected to disrupt CPT2 protein function with a positive predictive value of 80%. In summary, the available evidence is currently insufficient to determine the role of this variant in disease. Therefore, it has been classified as a Variant of Uncertain Significance.